The following is an entry in ClinVar:

NM_031885.5(BBS2):c.988G>A (p.Asp330Asn)

Gene: BBS2 (Bardet-Biedl syndrome 2; minus strand). Cytogenetic location: 16q13.
Variant type: single nucleotide variant.
Coding change: c.988G>A on transcript NM_031885.5 (MANE Select); coding-DNA position 988, G replaced by A.
Protein change: p.Asp330Asn; replaces aspartic acid 330 with asparagine.
Molecular consequence: missense variant. On other transcripts: non-coding transcript variant (5).
Genome position (GRCh38, 1-based): chr16:56,502,409, C>T on the plus strand (G>A on the coding strand, the complement: BBS2 is on the minus strand). VCF-style: chr16-56502409-C-T. GRCh37 (hg19) VCF-style: chr16-56536321-C-T.
Other names: c.988G>A, p.Asp330Asn (NM_001377456.1); short protein forms D330N.
Identifiers: ClinVar variation 964227 (VCV000964227.5), dbSNP rs144573829, ClinGen allele CA8065850.

ClinVar aggregate classification (germline): Uncertain significance. Review status: criteria provided, single submitter (1 of 4 stars). 3 submissions from 3 submitters: Uncertain significance (1). 2 of the submissions do not count toward it. Last evaluated 2021-09-01.

Conditions:
BBS2-related disorder. Also called: BBS2-related disorders; BBS2-related condition. Identifiers: MedGen CN239228.
Bardet-Biedl syndrome (BBS). Identifiers: Orphanet 110, MedGen C0752166, MONDO:0015229.
Bardet-Biedl syndrome 2 (BBS2). Identifiers: Orphanet 110, MedGen C2936863, MONDO:0014432, OMIM 615981.

Allele frequency attached by ClinVar (database versions not stated): gnomAD exomes 0.00002 and 0.00006; gnomAD 0.00001 and 0.00002; ExAC 0.00002; TOPMed below 0.00001; 1000 Genomes Project 30x 0.00016; 1000 Genomes Project 0.00020.
gnomAD v4.1: 89 of 1,614,232 alleles (0.0055%); highest among the groups gnomAD compares: Non-Finnish European, 0.0074%; no homozygotes.

Submissions (3):

Labcorp Genetics (formerly Invitae), Labcorp
Classification: Uncertain significance for Bardet-Biedl syndrome. Last evaluated: 2021-09-01. Review status: criteria provided, single submitter. Criteria: Invitae Variant Classification Sherloc (09022015). Collection method: clinical testing. Allele origin: germline.
Comment: This sequence change replaces aspartic acid with asparagine at codon 330 of the BBS2 protein (p.Asp330Asn). The aspartic acid residue is highly conserved and there is a small physicochemical difference between aspartic acid and asparagine. This variant is present in population databases (rs144573829, ExAC 0.01%). This variant has not been reported in the literature in individuals affected with BBS2-related conditions. Algorithms developed to predict the effect of missense changes on protein structure and function (SIFT, PolyPhen-2, Align-GVGD) all suggest that this variant is likely to be tolerated. In summary, the available evidence is currently insufficient to determine the role of this variant in disease. Therefore, it has been classified as a Variant of Uncertain Significance.

PreventionGenetics, part of Exact Sciences
Classification: Uncertain significance for BBS2-related condition. Last evaluated: 2024-08-09. Review status: no assertion criteria provided. Collection method: clinical testing. Allele origin: germline. Not counted in ClinVar's aggregate classification.
Comment: The BBS2 c.988G>A variant is predicted to result in the amino acid substitution p.Asp330Asn. To our knowledge, this variant has not been reported in the literature. This variant is reported in 0.0062% of alleles in individuals of African descent in gnomAD. At this time, the clinical significance of this variant is uncertain due to the absence of conclusive functional and genetic evidence.

Natera, Inc.
Classification: Uncertain significance for Bardet-Biedl syndrome type 2. Last evaluated: 2021-09-17. Review status: no assertion criteria provided. Collection method: clinical testing. Allele origin: germline. Not counted in ClinVar's aggregate classification.